The following is an entry in ClinVar:

ClinVar aggregate classification (germline): Uncertain significance (1 of 4 stars; one submission).

Conditions:
KBG syndrome (KBGS). Also called: ANKRD11-Related KBG Syndrome. Identifiers: Orphanet 2332, MedGen C0220687, MONDO:0007846, OMIM 148050.

gnomAD v4.1: 8 of 1,613,970 alleles (0.0005%); highest among the groups gnomAD compares: Middle Eastern, 0.05%; 1 homozygote.

Submission:

Labcorp Genetics (formerly Invitae), Labcorp
Classification: Uncertain significance for KBG syndrome. Last evaluated: 2025-03-20. Review status: criteria provided, single submitter. Criteria: Invitae Variant Classification Sherloc (09022015). Collection method: clinical testing. Allele origin: germline.
Comment: This sequence change replaces cysteine, which is neutral and slightly polar, with tyrosine, which is neutral and polar, at codon 818 of the ANKRD11 protein (p.Cys818Tyr). This variant is not present in population databases (gnomAD no frequency). This variant has not been reported in the literature in individuals affected with ANKRD11-related conditions. Invitae Evidence Modeling of protein sequence and biophysical properties (such as structural, functional, and spatial information, amino acid conservation, physicochemical variation, residue mobility, and thermodynamic stability) indicates that this missense variant is not expected to disrupt ANKRD11 protein function with a negative predictive value of 95%. In summary, the available evidence is currently insufficient to determine the role of this variant in disease. Therefore, it has been classified as a Variant of Uncertain Significance.

NM_013275.6(ANKRD11):c.2453G>A (p.Cys818Tyr)

Gene: ANKRD11 (ankyrin repeat domain 11; minus strand). Cytogenetic location: 16q24.3.
Variant type: single nucleotide variant.
Coding change: c.2453G>A on transcript NM_013275.6 (MANE Select); coding-DNA position 2453, G replaced by A.
Protein change: p.Cys818Tyr; replaces cysteine 818 with tyrosine.
Molecular consequence: missense variant.
Genome position (GRCh38, 1-based): chr16:89,284,089, C>T on the plus strand (G>A on the coding strand, the complement: ANKRD11 is on the minus strand). VCF-style: chr16-89284089-C-T. GRCh37 (hg19) VCF-style: chr16-89350497-C-T.
Other names: c.2453G>A, p.Cys818Tyr (NM_001256182.2, NM_001256183.2); short protein forms C818Y.
Identifiers: ClinVar variation 4749595 (VCV004749595.1).
Genomic context (GRCh38, chr16:89,284,089, plus strand): 5'-CGCTGATCGTCAGAAAGGCTAAATTTGGTGTCTTCATTCTCCAGAAACTGATTTTTGTTA[C>T]AATATTCGTCAAAAGCAGAATCTTCCCTATAAACCTTTTCTTTTTTGAGTTTTTCTTTAT-3'
Protein context (NP_037407.4, residues 808-828): YREDSAFDEY[Cys818Tyr]NKNQFLENED